The following is an entry in ClinVar:

NM_006908.5(RAC1):c.107+3A>G

Gene: RAC1 (Rac family small GTPase 1; plus strand). Cytogenetic location: 7p22.1.
Variant type: single nucleotide variant.
Coding change: c.107+3A>G on transcript NM_006908.5 (MANE Select); 3 bases into the intron after coding-DNA position 107, A replaced by G.
Molecular consequence: intron variant.
Genome position (GRCh38, 1-based): chr7:6,387,286, A>G. VCF-style: chr7-6387286-A-G. GRCh37 (hg19) VCF-style: chr7-6426917-A-G.
Other names: c.107+3A>G (NM_018890.4).
Identifiers: ClinVar variation 4526019 (VCV004526019.1).

ClinVar aggregate classification (germline): Uncertain significance (1 of 4 stars; one submission).

Submission:

Women's Health and Genetics/Laboratory Corporation of America, LabCorp
Classification: Uncertain significance. Last evaluated: 2025-07-09. Review status: criteria provided, single submitter. Criteria: LabCorp Variant Classification Summary - May 2015. Collection method: clinical testing. Allele origin: germline.
Comment: Variant summary: RAC1 c.107+3A>G alters a conserved nucleotide located close to a canonical splice site and therefore could affect mRNA splicing, leading to a significantly altered protein sequence. Several computational tools predict a significant impact on normal splicing: One predicts the variant abolishes a 5' splicing donor site. Two predict the variant weakens a 5' donor site. However, these predictions have yet to be confirmed by functional studies. The variant was absent in 208192 control chromosomes (gnomAD). The available data on variant occurrences in the general population are insufficient to allow any conclusion about variant significance. To our knowledge, no occurrence of c.107+3A>G in individuals affected with Intellectual Disability, Autosomal Dominant 48 and no experimental evidence demonstrating its impact on protein function have been reported. No submitters have cited clinical-significance assessments for this variant to ClinVar. Based on the evidence outlined above, the variant was classified as uncertain significance.